The following is an entry in ClinVar:

NM_004364.5(CEBPA):c.307G>T (p.Gly103Cys)

Gene: CEBPA (CCAAT enhancer binding protein alpha; minus strand). Cytogenetic location: 19q13.11.
Variant type: single nucleotide variant.
Coding change: c.307G>T on transcript NM_004364.5 (MANE Select); coding-DNA position 307, G replaced by T.
Protein change: p.Gly103Cys; replaces glycine 103 with cysteine.
Molecular consequence: missense variant. On other transcripts: 5 prime UTR variant (1).
Genome position (GRCh38, 1-based): chr19:33,302,108, C>A on the plus strand (G>T on the coding strand, the complement: CEBPA is on the minus strand). VCF-style: chr19-33302108-C-A. GRCh37 (hg19) VCF-style: chr19-33793014-C-A.
Other names: c.-51G>T (NM_001285829.2); c.412G>T, p.Gly138Cys (NM_001287424.2); c.265G>T, p.Gly89Cys (NM_001287435.2); short protein forms G103C, G138C, G89C.
Identifiers: ClinVar variation 1692804 (VCV001692804.1), dbSNP rs2145263145, ClinGen allele CA405275225.
Genomic context (GRCh38, chr19:33,302,108, plus strand): 5'-CCCCGGGCATGACGGCGCCGCCGGGGCCCGCGGGCGCGCCCGGGTAGTCAAAGTCGCCGC[C>A]GCCGCCGCCGCCCGTGGGGCCCACGGCCGCCTTGGCCTTCTCCTGCTGCCGGCTGTGCTG-3'
Protein context (NP_004355.2, residues 93-113): AAVGPTGGGG[Gly103Cys]GDFDYPGAPA

ClinVar aggregate classification (germline): Uncertain significance (1 of 4 stars; one submission).

Conditions:
Hereditary cancer-predisposing syndrome. Also called: Hereditary neoplastic syndrome; Tumor predisposition; Neoplastic Syndromes, Hereditary; Hereditary Cancer Syndrome. Identifiers: Orphanet 140162, MedGen C0027672, MeSH D009386, MONDO:0015356.

Allele frequency attached by ClinVar (database versions not stated): gnomAD exomes below 0.00001.
gnomAD v4.1: 1 of 1,339,452 alleles (0.000075%); no homozygotes.

Submission:

Sema4
Classification: Uncertain significance for Hereditary cancer-predisposing syndrome. Last evaluated: 2021-12-02. Review status: criteria provided, single submitter. Criteria: Sema4 Curation Guidelines. Collection method: curation. Allele origin: germline.
Comment: The CEBPA c.307G>T (p.G103C) variant has not been reported in the literature to our knowledge. It was not observed in the large and broad cohorts of the Genome Aggregation Database, and has not been reported in ClinVar. In silico tools suggest the impact of the variant on protein function is benign, though these predictions have not been confirmed by functional studies. The evidence is insufficient to meet ACMG/AMP criteria for classifying the variant as benign or pathogenic. Thus, the clinical significance of this variant is currently uncertain.